The following is an entry in ClinVar:

NM_005655.4(KLF10):c.225G>C (p.Glu75Asp)

Gene: KLF10 (KLF transcription factor 10; minus strand). Cytogenetic location: 8q22.3.
Variant type: single nucleotide variant.
Coding change: c.225G>C on transcript NM_005655.4 (MANE Select); coding-DNA position 225, G replaced by C.
Protein change: p.Glu75Asp; replaces glutamic acid 75 with aspartic acid.
Molecular consequence: missense variant. On other transcripts: non-coding transcript variant (2).
Genome position (GRCh38, 1-based): chr8:102,652,209, C>G on the plus strand (G>C on the coding strand, the complement: KLF10 is on the minus strand). VCF-style: chr8-102652209-C-G. GRCh37 (hg19) VCF-style: chr8-103664437-C-G.
Other names: c.192G>C, p.Glu64Asp (NM_001032282.4); short protein forms E75D, E64D.
Identifiers: ClinVar variation 2104057 (VCV002104057.4), dbSNP rs2537072387, ClinGen allele CA371629959.
Genomic context (GRCh38, chr8:102,652,209, plus strand): 5'-AACAATAATACTTACAAATGCTGGGATTGTATGAAAATCAGGTGTTCCCGGAAGCAGATT[C>G]TCTTCCTCTGACAAATCAGATACTGGTGTAACAGGTCTGTTTTCAACGTATTTCTTAAAA-3'
Protein context (NP_005646.1, residues 65-85): VTPVSDLSEE[Glu75Asp]NLLPGTPDFH

ClinVar aggregate classification (germline): Uncertain significance (1 of 4 stars; one submission).

Submission:

Labcorp Genetics (formerly Invitae), Labcorp
Classification: Uncertain significance. Last evaluated: 2022-08-09. Review status: criteria provided, single submitter. Criteria: Invitae Variant Classification Sherloc (09022015). Collection method: clinical testing. Allele origin: germline.
Comment: Algorithms developed to predict the effect of missense changes on protein structure and function output the following: SIFT: "Tolerated"; PolyPhen-2: "Benign"; Align-GVGD: "Class C0". The aspartic acid amino acid residue is found in multiple mammalian species, which suggests that this missense change does not adversely affect protein function. In summary, the available evidence is currently insufficient to determine the role of this variant in disease. Therefore, it has been classified as a Variant of Uncertain Significance. This sequence change replaces glutamic acid, which is acidic and polar, with aspartic acid, which is acidic and polar, at codon 75 of the KLF10 protein (p.Glu75Asp). This variant is not present in population databases (gnomAD no frequency). This variant has not been reported in the literature in individuals affected with KLF10-related conditions.